The following is an entry in ClinVar:

ClinVar aggregate classification (germline): Uncertain significance (1 of 4 stars; one submission).

Conditions:
Hereditary cancer-predisposing syndrome. Also called: Neoplastic Syndromes, Hereditary; Tumor predisposition; Hereditary neoplastic syndrome; Hereditary Cancer Syndrome. Identifiers: Orphanet 140162, MedGen C0027672, MeSH D009386, MONDO:0015356.

Submission:

Ambry Genetics
Classification: Uncertain significance for Hereditary cancer-predisposing syndrome. Last evaluated: 2026-08-29. Review status: criteria provided, single submitter. Criteria: Ambry Variant Classification Scheme 2023. Collection method: clinical testing. Allele origin: germline.
Comment: The p.S57F variant (also known as c.170C>T), located in coding exon 2 of the FANCC gene, results from a C to T substitution at nucleotide position 170. The serine at codon 57 is replaced by phenylalanine, an amino acid with highly dissimilar properties. This amino acid position is conserved. In addition, this alteration is predicted to be tolerated by in silico analysis. Based on the available evidence, the clinical significance of this variant remains unclear.

NM_000136.3(FANCC):c.170C>T (p.Ser57Phe)

Gene: FANCC (FA complementation group C; minus strand). Cytogenetic location: 9q22.32.
Variant type: single nucleotide variant.
Coding change: c.170C>T on transcript NM_000136.3 (MANE Select); coding-DNA position 170, C replaced by T.
Protein change: p.Ser57Phe; replaces serine 57 with phenylalanine.
Molecular consequence: missense variant.
Genome position (GRCh38, 1-based): chr9:95,247,512, G>A on the plus strand (C>T on the coding strand, the complement: FANCC is on the minus strand). VCF-style: chr9-95247512-G-A. GRCh37 (hg19) VCF-style: chr9-98009794-G-A.
Other names: c.170C>T, p.Ser57Phe (NM_001243743.2, NM_001243744.2); short protein forms S57F.
Identifiers: ClinVar variation 5036484 (VCV005036484.1).